The following is an entry in ClinVar:

NM_000132.4(F8):c.4211G>A (p.Arg1404Lys)

Gene: F8 (coagulation factor VIII; minus strand). Cytogenetic location: Xq28.
Variant type: single nucleotide variant.
Coding change: c.4211G>A on transcript NM_000132.4 (MANE Select); coding-DNA position 4211, G replaced by A.
Protein change: p.Arg1404Lys; replaces arginine 1404 with lysine.
Molecular consequence: missense variant.
Genome position (GRCh38, 1-based): chrX:154,929,579, C>T on the plus strand (G>A on the coding strand, the complement: F8 is on the minus strand). VCF-style: chrX-154929579-C-T. GRCh37 (hg19) VCF-style: chrX-154157854-C-T.
Other names: short protein forms R1404K.
Identifiers: ClinVar variation 2375400 (VCV002375400.3), dbSNP rs781964272, ClinGen allele CA10568134.

ClinVar aggregate classification (germline): Uncertain significance. Review status: criteria provided, multiple submitters, no conflicts (2 of 4 stars). 2 submissions from 2 submitters: Uncertain significance (2). Last evaluated 2026-06-09.

Conditions:
Inborn genetic diseases. Identifiers: MedGen C0950123, MeSH D030342.
F8-related disorder. Also called: F8-related condition.

Allele frequency attached by ClinVar (database versions not stated): ExAC 0.00001; gnomAD exomes 0.00002; gnomAD 0.00016; TOPMed 0.00042.

Submissions (2):

PreventionGenetics, part of Exact Sciences
Classification: Uncertain significance for F8-related condition. Last evaluated: 2026-06-09. Review status: criteria provided, single submitter. Criteria: ACMG Guidelines, 2015. Collection method: clinical testing. Allele origin: germline.
Comment: The F8 c.4211G>A variant is predicted to result in the amino acid substitution p.Arg1404Lys. To our knowledge, this variant has not been reported in the literature. This variant is reported in 0.027% of alleles in individuals of Ashkenazi Jewish descent in gnomAD including two hemizygous individuals. At this time, the clinical significance of this variant is uncertain due to the absence of conclusive functional and genetic evidence.

Ambry Genetics
Classification: Uncertain significance for Inborn genetic diseases. Last evaluated: 2024-02-05. Review status: criteria provided, single submitter. Criteria: Ambry Variant Classification Scheme 2023. Collection method: clinical testing. Allele origin: germline.